The following is an entry in ClinVar:

ClinVar aggregate classification (germline): Benign. Review status: criteria provided, multiple submitters, no conflicts (2 of 4 stars). 3 submissions from 3 submitters: Benign (2). 1 of the submissions does not count toward it. Last evaluated 2026-01-27.

Conditions:
SIAE-related disorder. Also called: SIAE-related condition.

Allele frequency attached by ClinVar (database versions not stated): gnomAD exomes 0.00072; ExAC 0.00088; ESP Exome Variant Server 0.00238; gnomAD 0.00259 and 0.00270; 1000 Genomes Project 0.00280; TOPMed 0.00286; 1000 Genomes Project 30x 0.00297.
gnomAD v4.1: 859 of 1,614,204 alleles (0.053%); highest among the groups gnomAD compares: African/African-American, 0.85%; 8 homozygotes.

Submissions (3):

Labcorp Genetics (formerly Invitae), Labcorp
Classification: Benign. Last evaluated: 2026-01-27. Review status: criteria provided, single submitter. Criteria: Invitae Variant Classification Sherloc (09022015). Collection method: clinical testing. Allele origin: germline.

Breakthrough Genomics
Classification: Benign. Review status: criteria provided, single submitter. Criteria: ACMG Guidelines, 2015. Collection method: not provided. Allele origin: germline. Inheritance: Unknown mechanism. Affected: yes.

PreventionGenetics, part of Exact Sciences
Classification: Benign for SIAE-related condition. Last evaluated: 2024-03-12. Review status: no assertion criteria provided. Collection method: clinical testing. Allele origin: germline. Not counted in ClinVar's aggregate classification.
Comment: This variant is classified as benign based on ACMG/AMP sequence variant interpretation guidelines (Richards et al. 2015 PMID: 25741868, with internal and published modifications).

NM_170601.5(SIAE):c.1416T>A (p.His472Gln)

Gene: SIAE (sialic acid acetylesterase; minus strand). Cytogenetic location: 11q24.2.
Variant type: single nucleotide variant.
Coding change: c.1416T>A on transcript NM_170601.5 (MANE Select); coding-DNA position 1416, T replaced by A.
Protein change: p.His472Gln; replaces histidine 472 with glutamine.
Molecular consequence: missense variant.
Genome position (GRCh38, 1-based): chr11:124,637,107, A>T on the plus strand (T>A on the coding strand, the complement: SIAE is on the minus strand). VCF-style: chr11-124637107-A-T. GRCh37 (hg19) VCF-style: chr11-124507003-A-T.
Other names: c.1311T>A, p.His437Gln (NM_001199922.2); c.1416T>A (NM_170601.4); short protein forms H437Q, H472Q.
Identifiers: ClinVar variation 1660388 (VCV001660388.11), dbSNP rs150382361, ClinGen allele CA6341178.
Genomic context (GRCh38, chr11:124,637,107, plus strand): 5'-ACACTGCTTATATTCACAAGGCCACGTGGTCCAAGCATAGCGGAGAGCAACCACAGTGCC[A>T]TGACAAGAATCGATCGCCAGGGTCAGGGACTGGGTGGAGACGGTGTTCATAGAAGCTGGA-3'
Protein context (NP_733746.1, residues 462-482): QSLTLAIDSC[His472Gln]GTVVALRYAW